The following is an entry in ClinVar:

ClinVar aggregate classification (germline): Uncertain significance (1 of 4 stars; one submission).

Conditions:
Polyglandular autoimmune syndrome, type 1 (APS1). Also called: HYPOADRENOCORTICISM WITH HYPOPARATHYROIDISM AND SUPERFICIAL MONILIASIS; Whitaker syndrome; Autoimmune polyendocrinopathy syndrome, type I; Autoimmune polyendocrinopathy syndrome , type I, with or without reversible metaphyseal dysplasia; AUTOIMMUNE POLYENDOCRINE SYNDROME, TYPE I, WITH OR WITHOUT REVERSIBLE METAPHYSEAL DYSPLASIA; Autoimmune polyendocrine syndrome type 1. Identifiers: Orphanet 3453, MedGen C0085859, MONDO:0009411, OMIM 240300.

Allele frequency attached by ClinVar (database versions not stated): gnomAD 0.00003.
gnomAD v4.1: 8 of 1,558,474 alleles (0.00051%); highest among the groups gnomAD compares: East Asian, 0.0024%; no homozygotes.

Submission:

Labcorp Genetics (formerly Invitae), Labcorp
Classification: Uncertain significance for Polyglandular autoimmune syndrome, type 1. Last evaluated: 2025-12-19. Review status: criteria provided, single submitter. Criteria: Invitae Variant Classification Sherloc (09022015). Collection method: clinical testing. Allele origin: germline.
Comment: This sequence change replaces proline, which is neutral and non-polar, with leucine, which is neutral and non-polar, at codon 163 of the AIRE protein (p.Pro163Leu). This variant is not present in population databases (gnomAD no frequency). This variant has not been reported in the literature in individuals affected with AIRE-related conditions. ClinVar contains an entry for this variant (Variation ID: 2155941). Invitae Evidence Modeling of protein sequence and biophysical properties (such as structural, functional, and spatial information, amino acid conservation, physicochemical variation, residue mobility, and thermodynamic stability) indicates that this missense variant is not expected to disrupt AIRE protein function with a negative predictive value of 95%. In summary, the available evidence is currently insufficient to determine the role of this variant in disease. Therefore, it has been classified as a Variant of Uncertain Significance.

NM_000383.4(AIRE):c.488C>T (p.Pro163Leu)

Gene: AIRE (autoimmune regulator; plus strand). Cytogenetic location: 21q22.3.
Variant type: single nucleotide variant.
Coding change: c.488C>T on transcript NM_000383.4 (MANE Select); coding-DNA position 488, C replaced by T.
Protein change: p.Pro163Leu; replaces proline 163 with leucine.
Molecular consequence: missense variant.
Genome position (GRCh38, 1-based): chr21:44,287,541, C>T. VCF-style: chr21-44287541-C-T. GRCh37 (hg19) VCF-style: chr21-45707424-C-T.
Other names: short protein forms P163L.
Identifiers: ClinVar variation 2155941 (VCV002155941.2), dbSNP rs771592755, ClinGen allele CA410423939.